The following is an entry in ClinVar:

NM_000358.3(TGFBI):c.1664G>A (p.Arg555Gln)

Gene: TGFBI (transforming growth factor beta induced; plus strand). Cytogenetic location: 5q31.1.
Variant type: single nucleotide variant.
Coding change: c.1664G>A on transcript NM_000358.3 (MANE Select); coding-DNA position 1664, G replaced by A.
Protein change: p.Arg555Gln; replaces arginine 555 with glutamine.
Molecular consequence: missense variant.
Genome position (GRCh38, 1-based): chr5:136,056,781, G>A. VCF-style: chr5-136056781-G-A. GRCh37 (hg19) VCF-style: chr5-135392470-G-A.
Other names: c.1664G>A (NM_000358.2); short protein forms R555Q.
Identifiers: ClinVar variation 7867 (VCV000007867.35), dbSNP rs121909209, ClinGen allele CA119120.

ClinVar aggregate classification (germline): Pathogenic. Review status: criteria provided, multiple submitters, no conflicts (2 of 4 stars). 7 submissions from 7 submitters: Pathogenic (6). 1 of the submissions does not count toward it. Last evaluated 2026-04-01.

Conditions:
TGFBI-related disorder. Also called: TGFBI-related condition.
Thiel-Behnke corneal dystrophy (CDTB). Also called: Corneal dystrophy honeycomb shaped; Corneal dystrophy of the Bowman layer type 2. Identifiers: Orphanet 98960, MedGen C1562894, MONDO:0011185, OMIM 602082.
Reis-Bucklers' corneal dystrophy (CDRB). Also called: GRANULAR CORNEAL DYSTROPHY, TYPE III. Identifiers: Orphanet 98961, MedGen C0339278, MONDO:0012043, OMIM 608470.

Allele frequency attached by ClinVar (database versions not stated): gnomAD exomes below 0.00001.
gnomAD v4.1: 2 of 1,613,548 alleles (0.00012%); highest among the groups gnomAD compares: Non-Finnish European, 0.00017%; no homozygotes.

Submissions (7):

CeGaT Center for Human Genetics Tuebingen
Classification: Pathogenic. Last evaluated: 2026-04-01. Review status: criteria provided, single submitter. Criteria: CeGaT Center For Human Genetics Tuebingen Variant Classification Criteria Version 2. Collection method: clinical testing. Allele origin: germline. Affected: yes. Observed: 2 variant alleles.
Comment: TGFBI: PP1:Strong, PM2, PM5, PS2:Moderate, PS4:Moderate, PS3:Supporting, BP4

GeneDx
Classification: Pathogenic. Last evaluated: 2025-07-24. Review status: criteria provided, single submitter. Criteria: GeneDx Variant Classification Process June 2021. Collection method: clinical testing. Allele origin: germline. Affected: yes.
Comment: Published functional studies suggest a damaging effect as R555Q slightly reduced protein stability (PMID: 21135107); Not observed at significant frequency in large population cohorts (gnomAD); In silico analysis suggests that this missense variant does not alter protein structure/function; This variant is associated with the following publications: (PMID: 19337156, 26305369, 22906289, 16118514, 11923233, 16767671, 9054935, 22355247, 17198850, 33816482, 35985662, 22876129, 9780098, 21617751, 18001570, 33513810, 12700042, 28377594, 36729443, 36902444, 17980739, 21135107)

Labcorp Genetics (formerly Invitae), Labcorp
Classification: Pathogenic. Last evaluated: 2025-01-07. Review status: criteria provided, single submitter. Criteria: Invitae Variant Classification Sherloc (09022015). Collection method: clinical testing. Allele origin: germline.
Comment: This sequence change replaces arginine, which is basic and polar, with glutamine, which is neutral and polar, at codon 555 of the TGFBI protein (p.Arg555Gln). This variant is not present in population databases (gnomAD no frequency). This missense change has been observed in individuals with autosomal dominant corneal dystrophy (PMID: 22355247). It has also been observed to segregate with disease in related individuals. ClinVar contains an entry for this variant (Variation ID: 7867). Invitae Evidence Modeling of protein sequence and biophysical properties (such as structural, functional, and spatial information, amino acid conservation, physicochemical variation, residue mobility, and thermodynamic stability) indicates that this missense variant is not expected to disrupt TGFBI protein function with a negative predictive value of 80%. Experimental studies have shown that this missense change affects TGFBI function (PMID: 21135107). For these reasons, this variant has been classified as Pathogenic.

Blueprint Genetics
Classification: Pathogenic for TGFBI-related disorders. Last evaluated: 2023-01-02. Review status: criteria provided, single submitter. Criteria: ACMG Guidelines, 2015. Collection method: clinical testing. Allele origin: germline. Affected: yes. Observed: 3 variant alleles.

Genetics and Molecular Pathology, SA Pathology
Classification: Pathogenic for Thiel-Behnke corneal dystrophy. Last evaluated: 2021-09-22. Review status: criteria provided, single submitter. Criteria: ACMG Guidelines, 2015. Collection method: clinical testing. Allele origin: germline. Inheritance: Autosomal dominant inheritance. Affected: yes.

Clinical Genetics Service, Universitary Hospital 12 de Octubre
Classification: Pathogenic for Reis-Bucklers' corneal dystrophy. Review status: criteria provided, single submitter. Criteria: ACMG Guidelines, 2015. Collection method: clinical testing. Allele origin: germline. Affected: yes.

OMIM
Classification: Pathogenic for CORNEAL DYSTROPHY, THIEL-BEHNKE TYPE. Last evaluated: 2012-01-01. Review status: no assertion criteria provided. Collection method: literature only. Allele origin: germline. Not counted in ClinVar's aggregate classification.

Literature cited by the submitters: PubMed 22355247 (cited by Labcorp Genetics (formerly Invitae), Labcorp and OMIM); PubMed 21135107 (cited by Labcorp Genetics (formerly Invitae), Labcorp); PubMed 9054935 (cited by OMIM); PubMed 11923233 (cited by OMIM); PubMed 9780098 (cited by OMIM).